The following is an entry in ClinVar:

ClinVar aggregate classification (germline): Likely pathogenic. Review status: criteria provided, multiple submitters, no conflicts (2 of 4 stars). 2 submissions from 2 submitters: Likely pathogenic (2). Last evaluated 2025-01-23.

Conditions:
Pyridoxine-dependent epilepsy (EPEO4). Also called: PYRIDOXINE DEPENDENCY WITH SEIZURES; Pyridoxine-Dependent Seizures; Pyridoxine-Dependent Epilepsy - ALDH7A1; EPILEPSY, EARLY-ONSET, 4, VITAMIN B6-DEPENDENT. Identifiers: Orphanet 3006, MedGen C1849508, MONDO:0009945, OMIM 266100. Disease mechanism: loss of function.

gnomAD v4.1: 4 of 1,613,672 alleles (0.00025%); highest among the groups gnomAD compares: African/African-American, 0.0053%; no homozygotes.

Submissions (2):

GeneDx
Classification: Likely pathogenic. Last evaluated: 2025-01-23. Review status: criteria provided, single submitter. Criteria: GeneDx Variant Classification Process June 2021. Collection method: clinical testing. Allele origin: germline. Affected: yes.
Comment: Published functional studies demonstrate impaired enzymatic activity (PMID: 24613284); In silico analysis supports that this missense variant has a deleterious effect on protein structure/function; Also known as c.1274A>G p.Gln425Arg due to use of alternate nomenclature; This variant is associated with the following publications: (PMID: 30043187, 24613284, 32956737, 19142996)

Labcorp Genetics (formerly Invitae), Labcorp
Classification: Likely pathogenic for Pyridoxine-dependent epilepsy. Last evaluated: 2024-11-21. Review status: criteria provided, single submitter. Criteria: Invitae Variant Classification Sherloc (09022015). Collection method: clinical testing. Allele origin: germline.
Comment: This sequence change replaces glutamine, which is neutral and polar, with arginine, which is basic and polar, at codon 453 of the ALDH7A1 protein (p.Gln453Arg). This variant is present in population databases (no rsID available, gnomAD 0.01%). This missense change has been observed in individual(s) with ALDH7A1-related conditions (PMID: 19142996). This variant is also known as p.Gln425Arg. Invitae Evidence Modeling of protein sequence and biophysical properties (such as structural, functional, and spatial information, amino acid conservation, physicochemical variation, residue mobility, and thermodynamic stability) indicates that this missense variant is expected to disrupt ALDH7A1 protein function with a positive predictive value of 95%. Experimental studies have shown that this missense change affects ALDH7A1 function (PMID: 24613284). In summary, the currently available evidence indicates that the variant is pathogenic, but additional data are needed to prove that conclusively. Therefore, this variant has been classified as Likely Pathogenic.

Literature cited by the submitters: PubMed 19142996 (cited by Labcorp Genetics (formerly Invitae), Labcorp); PubMed 24613284 (cited by Labcorp Genetics (formerly Invitae), Labcorp).

NM_001182.5(ALDH7A1):c.1358A>G (p.Gln453Arg)

Gene: ALDH7A1 (aldehyde dehydrogenase 7 family member A1; minus strand). Cytogenetic location: 5q23.2.
Variant type: single nucleotide variant.
Coding change: c.1358A>G on transcript NM_001182.5 (MANE Select); coding-DNA position 1358, A replaced by G.
Protein change: p.Gln453Arg; replaces glutamine 453 with arginine.
Molecular consequence: missense variant.
Genome position (GRCh38, 1-based): chr5:126,550,253, T>C on the plus strand (A>G on the coding strand, the complement: ALDH7A1 is on the minus strand). VCF-style: chr5-126550253-T-C. GRCh37 (hg19) VCF-style: chr5-125885945-T-C.
Other names: c.1274A>G, p.Gln425Arg (NM_001201377.2); c.1166A>G, p.Gln389Arg (NM_001202404.2); short protein forms Q389R, Q425R, Q453R.
Identifiers: ClinVar variation 3338816 (VCV003338816.4).